The following is an entry in ClinVar:

NM_004168.4(SDHA):c.127G>A (p.Ala43Thr)

Gene: SDHA (succinate dehydrogenase complex flavoprotein subunit A; plus strand). Cytogenetic location: 5p15.33.
Variant type: single nucleotide variant.
Coding change: c.127G>A on transcript NM_004168.4 (MANE Select); coding-DNA position 127, G replaced by A.
Protein change: p.Ala43Thr; replaces alanine 43 with threonine.
Molecular consequence: missense variant.
Genome position (GRCh38, 1-based): chr5:223,545, G>A. VCF-style: chr5-223545-G-A. GRCh37 (hg19) VCF-style: chr5-223660-G-A.
Other names: c.127G>A, p.Ala43Thr (NM_001294332.2, NM_001330758.2); short protein forms A43T.
Identifiers: ClinVar variation 645943 (VCV000645943.15), dbSNP rs1579379865, ClinGen allele CA359008239.

ClinVar aggregate classification (germline): Conflicting classifications of pathogenicity. Review status: criteria provided, conflicting classifications (1 of 4 stars). 2 submissions from 2 submitters: Uncertain significance (1); Likely benign (1). Last evaluated 2026-02-05.

Conditions:
Pheochromocytoma/paraganglioma syndrome 5. Also called: Paragangliomas 5; SDHA-Related Hereditary Paraganglioma-Pheochromocytoma Syndrome. Identifiers: Orphanet 29072, MedGen C3279992, MONDO:0013602, OMIM 614165.
Mitochondrial complex II deficiency, nuclear type 1. Also called: SUCCINATE CoQ REDUCTASE DEFICIENCY. Identifiers: Orphanet 3208, MedGen C5700310, MONDO:0100294, OMIM 252011.
Hereditary cancer-predisposing syndrome. Also called: Tumor predisposition; Neoplastic Syndromes, Hereditary; Hereditary Cancer Syndrome; Hereditary neoplastic syndrome. Identifiers: Orphanet 140162, MedGen C0027672, MeSH D009386, MONDO:0015356.

Allele frequency attached by ClinVar (database versions not stated): TOPMed below 0.00001; gnomAD 0.00001.

Submissions (2):

Ambry Genetics
Classification: Likely benign for Hereditary cancer-predisposing syndrome. Last evaluated: 2026-02-05. Review status: criteria provided, single submitter. Criteria: Ambry Variant Classification Scheme 2023. Collection method: clinical testing. Allele origin: germline.

Labcorp Genetics (formerly Invitae), Labcorp
Classification: Uncertain significance for Pheochromocytoma/paraganglioma syndrome 5; Mitochondrial complex II deficiency, nuclear type 1. Last evaluated: 2025-12-29. Review status: criteria provided, single submitter. Criteria: Invitae Variant Classification Sherloc (09022015). Collection method: clinical testing. Allele origin: germline.
Comment: This sequence change replaces alanine, which is neutral and non-polar, with threonine, which is neutral and polar, at codon 43 of the SDHA protein (p.Ala43Thr). This variant is not present in population databases (gnomAD no frequency). This variant has not been reported in the literature in individuals affected with SDHA-related conditions. ClinVar contains an entry for this variant (Variation ID: 645943). Invitae Evidence Modeling of protein sequence and biophysical properties (such as structural, functional, and spatial information, amino acid conservation, physicochemical variation, residue mobility, and thermodynamic stability) indicates that this missense variant is not expected to disrupt SDHA protein function with a negative predictive value of 95%. In summary, the available evidence is currently insufficient to determine the role of this variant in disease. Therefore, it has been classified as a Variant of Uncertain Significance.